The following is an entry in ClinVar:

ClinVar aggregate classification (germline): Benign (0 of 4 stars; one submission).

Conditions:
MUC16-related disorder. Also called: MUC16-related condition.

Allele frequency attached by ClinVar (database versions not stated): 1000 Genomes Project 30x 0.02577; ExAC 0.36193.

Submission:

PreventionGenetics, part of Exact Sciences
Classification: Benign for MUC16-related condition. Last evaluated: 2019-03-01. Review status: no assertion criteria provided. Collection method: clinical testing. Allele origin: germline.
Comment: This variant is classified as benign based on ACMG/AMP sequence variant interpretation guidelines (Richards et al. 2015 PMID: 25741868, with internal and published modifications).

NM_001401501.2(MUC16):c.42705T>C (p.Ala14235=)

Gene: MUC16 (mucin 16, cell surface associated; minus strand). Cytogenetic location: 19p13.2.
Variant type: single nucleotide variant.
Coding change: c.42705T>C on transcript NM_001401501.2 (MANE Select); coding-DNA position 42705, T replaced by C.
Protein change: p.Ala14235=; no amino-acid change (alanine 14235 retained).
Molecular consequence: synonymous variant.
Genome position (GRCh38, 1-based): chr19:8,891,961, A>G on the plus strand (T>C on the coding strand, the complement: MUC16 is on the minus strand). VCF-style: chr19-8891961-A-G. GRCh37 (hg19) VCF-style: chr19-9002637-A-G.
Other names: c.43131T>C, p.Ala14377= (NM_001414686.1); c.42585T>C, p.Ala14195= (NM_001414687.1); c.40179T>C, p.Ala13393= (NM_024690.2).
Identifiers: ClinVar variation 3038225 (VCV003038225.2), dbSNP rs780987912, ClinGen allele CA9163529.
Genomic context (GRCh38, chr19:8,891,961, plus strand): 5'-CCAGTACAGCCGCTCTCTGTCCAGTCCAGGGCTTTTGGGGTCAGGACGATGGGTGCAGAC[A>G]GCATCCACTCTGGTGGCTGCCCCATCCTTCTCAGGCCTAGGGAGGGCAGATGAAGCAAAT-3'
Protein context (NP_001388430.1, residues 14225-14245): EKDGAATRVD[Ala14235=]VCTHRPDPKS